The following is an entry in ClinVar:

ClinVar aggregate classification (germline): Uncertain significance (0 of 4 stars; one submission).

Conditions:
Prostate cancer. Also called: Malignant tumor of prostate. Identifiers: Orphanet 1331, MedGen C0376358, MONDO:0008315, HP:0012125.

Allele frequency attached by ClinVar (database versions not stated): ExAC 0.00001; gnomAD exomes 0.00004 and 0.00005; TOPMed 0.00002; gnomAD 0.00001 and 0.00002; 1000 Genomes Project 0.00020; ESP Exome Variant Server 0.00008; 1000 Genomes Project 30x 0.00016.
gnomAD v4.1: 75 of 1,611,992 alleles (0.0047%); highest among the groups gnomAD compares: Non-Finnish European, 0.0059%; no homozygotes.

Submission:

Science for Life laboratory,  Karolinska Institutet
Classification: Uncertain significance for Malignant tumor of prostate. Review status: no assertion criteria provided. Collection method: not provided. Allele origin: somatic.
Comment: TumorID:SWE-3
ClinVar note: Converted during submission from Unknown to Uncertain significance.

NM_002839.4(PTPRD):c.5692C>T (p.Arg1898Cys)

Gene: PTPRD (protein tyrosine phosphatase receptor type D; minus strand). Cytogenetic location: 9p24.1.
Variant type: single nucleotide variant.
Coding change: c.5692C>T on transcript NM_002839.4 (MANE Select); coding-DNA position 5692, C replaced by T.
Protein change: p.Arg1898Cys; replaces arginine 1898 with cysteine.
Molecular consequence: missense variant.
Genome position (GRCh38, 1-based): chr9:8,317,921, G>A on the plus strand (C>T on the coding strand, the complement: PTPRD is on the minus strand). VCF-style: chr9-8317921-G-A. GRCh37 (hg19) VCF-style: chr9-8317921-G-A.
Other names: c.4483C>T, p.Arg1495Cys (NM_001377946.1); c.4453C>T, p.Arg1485Cys (NM_001377947.1); c.5752C>T, p.Arg1918Cys (NM_001377958.1); c.5707C>T, p.Arg1903Cys (NM_001378058.1); c.4471C>T, p.Arg1491Cys (NM_130391.4, NM_001171025.2); c.4474C>T, p.Arg1492Cys (NM_130392.3); c.4444C>T, p.Arg1482Cys (NM_130393.3); c.4462C>T, p.Arg1488Cys (NM_001040712.2); short protein forms R1491C, R1898C, R1488C, R1482C, R1492C, R1485C, R1495C, R1903C.
Identifiers: ClinVar variation 161800 (VCV000161800.2), dbSNP rs150063446, ClinGen allele CA174809.